The following is an entry in ClinVar:

ClinVar aggregate classification (germline): Conflicting classifications of pathogenicity. Review status: criteria provided, conflicting classifications (1 of 4 stars). 4 submissions from 4 submitters: Uncertain significance (2); Likely benign (2). Last evaluated 2026-01-12.

Allele frequency attached by ClinVar (database versions not stated): ESP Exome Variant Server 0.00008; ExAC 0.00017; gnomAD exomes 0.00021; gnomAD 0.00022 and 0.00026; TOPMed 0.00026; 1000 Genomes Project 30x 0.00109; 1000 Genomes Project 0.00120.
gnomAD v4.1: 210 of 1,612,988 alleles (0.013%); highest among the groups gnomAD compares: East Asian, 0.28%; 1 homozygote.

Submissions (4):

Labcorp Genetics (formerly Invitae), Labcorp
Classification: Likely benign. Last evaluated: 2026-01-12. Review status: criteria provided, single submitter. Criteria: Invitae Variant Classification Sherloc (09022015). Collection method: clinical testing. Allele origin: germline.

Blueprint Genetics
Classification: Likely benign. Last evaluated: 2024-06-28. Review status: criteria provided, single submitter. Criteria: ACMG Guidelines, 2015. Collection method: clinical testing. Allele origin: germline.

GeneDx
Classification: Uncertain significance. Last evaluated: 2020-11-17. Review status: criteria provided, single submitter. Criteria: GeneDx Variant Classification Process June 2021. Collection method: clinical testing. Allele origin: germline. Affected: yes.
Comment: Has not been previously published as pathogenic or benign to our knowledge; In silico analysis, which includes protein predictors and evolutionary conservation, supports that this variant does not alter protein structure/function; This variant is associated with the following publications: (PMID: 23862152)

Genetic Services Laboratory, University of Chicago
Classification: Uncertain significance. Last evaluated: 2015-02-26. Review status: criteria provided, single submitter. Criteria: ACMG Guidelines, 2015. Collection method: clinical testing. Allele origin: germline.

NM_000550.3(TYRP1):c.1138G>T (p.Ala380Ser)

Genes: LURAP1L-AS1 (LURAP1L antisense RNA 1; minus strand), TYRP1 (tyrosinase related protein 1; plus strand). Cytogenetic location: 9p23.
Variant type: single nucleotide variant.
Coding change: c.1138G>T on transcript NM_000550.3 (MANE Select); coding-DNA position 1138, G replaced by T.
Protein change: p.Ala380Ser; replaces alanine 380 with serine.
Molecular consequence: missense variant.
Genome position (GRCh38, 1-based): chr9:12,704,582, G>T. VCF-style: chr9-12704582-G-T. GRCh37 (hg19) VCF-style: chr9-12704582-G-T.
Other names: short protein forms A380S.
Identifiers: ClinVar variation 212526 (VCV000212526.16), dbSNP rs184910238, ClinGen allele CA209368.